The following is an entry in ClinVar:

NM_001376.5(DYNC1H1):c.4543-77C>T

Gene: DYNC1H1 (dynein cytoplasmic 1 heavy chain 1; plus strand). Cytogenetic location: 14q32.31.
Variant type: single nucleotide variant.
Coding change: c.4543-77C>T on transcript NM_001376.5 (MANE Select); 77 bases into the intron before coding-DNA position 4543, C replaced by T.
Molecular consequence: intron variant.
Genome position (GRCh38, 1-based): chr14:102,002,460, C>T. VCF-style: chr14-102002460-C-T. GRCh37 (hg19) VCF-style: chr14-102468797-C-T.
Identifiers: ClinVar variation 672451 (VCV000672451.2), dbSNP rs17541006, ClinGen allele CA14056348.

ClinVar aggregate classification (germline): Likely benign. Review status: criteria provided, multiple submitters, no conflicts (2 of 4 stars). 2 submissions from 2 submitters: Likely benign (2). Last evaluated 2018-06-14.

Allele frequency attached by ClinVar (database versions not stated): 1000 Genomes Project 0.01138; 1000 Genomes Project 30x 0.01140; gnomAD 0.01854; TOPMed 0.01981; gnomAD exomes 0.02187.
gnomAD v4.1: 33,870 of 1,578,498 alleles (2.1%); highest among the groups gnomAD compares: Non-Finnish European, 2.5%; 460 homozygotes.

Submissions (2):

GeneDx
Classification: Likely benign. Last evaluated: 2018-06-14. Review status: criteria provided, single submitter. Criteria: GeneDx Variant Classification (06012015). Collection method: clinical testing. Allele origin: germline. Affected: yes.
Comment: This variant is considered likely benign or benign based on one or more of the following criteria: it is a conservative change, it occurs at a poorly conserved position in the protein, it is predicted to be benign by multiple in silico algorithms, and/or has population frequency not consistent with disease.

Breakthrough Genomics
Classification: Likely benign. Review status: criteria provided, single submitter. Criteria: ACMG Guidelines, 2015. Collection method: not provided. Allele origin: germline. Inheritance: Autosomal dominant inheritance. Affected: yes.